The following is an entry in ClinVar:

ClinVar aggregate classification (germline): Uncertain significance (1 of 4 stars; one submission).

Conditions:
Kufor-Rakeb syndrome (KRS). Also called: PARKINSON DISEASE 9, AUTOSOMAL RECESSIVE, JUVENILE-ONSET. Identifiers: Orphanet 306674, Orphanet 314632, MedGen C1847640, MONDO:0011706, OMIM 606693.
Autosomal recessive spastic paraplegia type 78. Identifiers: Orphanet 513436, MedGen C5567893, MONDO:0014975, OMIM 617225.

gnomAD v4.1: 2 of 1,614,110 alleles (0.00012%); highest among the groups gnomAD compares: Non-Finnish European, 0.000085%; no homozygotes.

Submission:

Labcorp Genetics (formerly Invitae), Labcorp
Classification: Uncertain significance for Kufor-Rakeb syndrome; Autosomal recessive spastic paraplegia type 78. Last evaluated: 2023-05-22. Review status: criteria provided, single submitter. Criteria: Invitae Variant Classification Sherloc (09022015). Collection method: clinical testing. Allele origin: germline.
Comment: This sequence change replaces aspartic acid, which is acidic and polar, with glutamic acid, which is acidic and polar, at codon 710 of the ATP13A2 protein (p.Asp710Glu). This variant is not present in population databases (gnomAD no frequency). This variant has not been reported in the literature in individuals affected with ATP13A2-related conditions. ClinVar contains an entry for this variant (Variation ID: 1429475). Advanced modeling of protein sequence and biophysical properties (such as structural, functional, and spatial information, amino acid conservation, physicochemical variation, residue mobility, and thermodynamic stability) performed at Invitae indicates that this missense variant is not expected to disrupt ATP13A2 protein function. In summary, the available evidence is currently insufficient to determine the role of this variant in disease. Therefore, it has been classified as a Variant of Uncertain Significance.

NM_022089.4(ATP13A2):c.2130C>A (p.Asp710Glu)

Gene: ATP13A2 (ATPase cation transporting 13A2; minus strand). Cytogenetic location: 1p36.13.
Variant type: single nucleotide variant.
Coding change: c.2130C>A on transcript NM_022089.4 (MANE Select); coding-DNA position 2130, C replaced by A.
Protein change: p.Asp710Glu; replaces aspartic acid 710 with glutamic acid.
Molecular consequence: missense variant.
Genome position (GRCh38, 1-based): chr1:16,991,855, G>T on the plus strand (C>A on the coding strand, the complement: ATP13A2 is on the minus strand). VCF-style: chr1-16991855-G-T. GRCh37 (hg19) VCF-style: chr1-17318350-G-T.
Other names: c.2115C>A, p.Asp705Glu (NM_001141973.3, NM_001141974.3); short protein forms D710E, D705E.
Identifiers: ClinVar variation 1429475 (VCV001429475.6), dbSNP rs2076943011, ClinGen allele CA338243939.